The following is an entry in ClinVar:

ClinVar aggregate classification (germline): Uncertain significance (1 of 4 stars; one submission).

Allele frequency attached by ClinVar (database versions not stated): gnomAD exomes 0.00001 and 0.00003; gnomAD 0.00002; TOPMed 0.00003; ExAC 0.00007; ESP Exome Variant Server 0.00008.

Submission:

Labcorp Genetics (formerly Invitae), Labcorp
Classification: Uncertain significance. Last evaluated: 2022-03-18. Review status: criteria provided, single submitter. Criteria: Invitae Variant Classification Sherloc (09022015). Collection method: clinical testing. Allele origin: germline.
Comment: This sequence change replaces valine, which is neutral and non-polar, with leucine, which is neutral and non-polar, at codon 1020 of the LAMC3 protein (p.Val1020Leu). The frequency data for this variant in the population databases is considered unreliable, as metrics indicate poor data quality at this position in the gnomAD database. This variant has not been reported in the literature in individuals affected with LAMC3-related conditions. Algorithms developed to predict the effect of missense changes on protein structure and function are either unavailable or do not agree on the potential impact of this missense change (SIFT: "Deleterious"; PolyPhen-2: "Possibly Damaging"; Align-GVGD: "Class C0"). In summary, the available evidence is currently insufficient to determine the role of this variant in disease. Therefore, it has been classified as a Variant of Uncertain Significance.

NM_006059.4(LAMC3):c.3058G>T (p.Val1020Leu)

Gene: LAMC3 (laminin subunit gamma 3; plus strand). Cytogenetic location: 9q34.12.
Variant type: single nucleotide variant.
Coding change: c.3058G>T on transcript NM_006059.4 (MANE Select); coding-DNA position 3058, G replaced by T.
Protein change: p.Val1020Leu; replaces valine 1020 with leucine.
Molecular consequence: missense variant.
Genome position (GRCh38, 1-based): chr9:131,069,839, G>T. VCF-style: chr9-131069839-G-T. GRCh37 (hg19) VCF-style: chr9-133945226-G-T.
Other names: short protein forms V1020L.
Identifiers: ClinVar variation 1406643 (VCV001406643.3), dbSNP rs145195626, ClinGen allele CA5287657.